The following is an entry in ClinVar:

NM_004453.4(ETFDH):c.485_487+13del

Gene: ETFDH (electron transfer flavoprotein dehydrogenase; plus strand). Cytogenetic location: 4q32.1.
Variant type: Deletion.
Coding change: c.485_487+13del on transcript NM_004453.4 (MANE Select); coding-DNA position 485 through 13 bases into the intron after coding-DNA position 487, 16 bases deleted (CAGGTAAGGTATAGTG).
Molecular consequence: splice donor variant.
Genome position (GRCh38, 1-based): chr4:158,684,671-158,684,686, CAGGTAAGGTATAGTG deleted. VCF-style (leftmost placement, unchanged base first): chr4-158684670-CCAGGTAAGGTATAGTG-C. GRCh37 (hg19) VCF-style: chr4-159605822-CCAGGTAAGGTATAGTG-C.
Other names: c.344_346+13del (NM_001281737.2); c.302_304+13del (NM_001281738.1).
Identifiers: ClinVar variation 962797 (VCV000962797.8), dbSNP rs1773956317, ClinGen allele CA1139658686.

ClinVar aggregate classification (germline): Likely pathogenic (1 of 4 stars; one submission).

Conditions:
Multiple acyl-CoA dehydrogenase deficiency (MADD). Also called: Glutaric Acidemia type 2; Glutaric acidemia type II; GA 2; ETHYLMALONIC-ADIPICACIDURIA; GA II; Glutaric aciduria, type 2. Identifiers: Orphanet 26791, MedGen C0268596, MONDO:0009282, OMIM 231680.

Submission:

Labcorp Genetics (formerly Invitae), Labcorp
Classification: Likely pathogenic for Multiple acyl-CoA dehydrogenase deficiency. Last evaluated: 2025-10-14. Review status: criteria provided, single submitter. Criteria: Invitae Variant Classification Sherloc (09022015). Collection method: clinical testing. Allele origin: germline.
Comment: This variant results in the deletion of part of exon 4 (c.485_487+13del) of the ETFDH gene. It is expected to disrupt RNA splicing. Variants that disrupt the donor or acceptor splice site typically lead to a loss of protein function (PMID: 16199547), and loss-of-function variants in ETFDH are known to be pathogenic (PMID: 16510302, 23785301). This variant is not present in population databases (gnomAD no frequency). This variant has not been reported in the literature in individuals affected with ETFDH-related conditions. ClinVar contains an entry for this variant (Variation ID: 962797). In summary, the currently available evidence indicates that the variant is pathogenic, but additional data are needed to prove that conclusively. Therefore, this variant has been classified as Likely Pathogenic.

Literature cited by the submitters: PubMed 16199547; PubMed 16510302; PubMed 23785301.